The following is an entry in ClinVar:

NM_001563.4(IMPG1):c.2287_2302A[5]GTTCCAAAATCCCTCTCCCTCTCCCGCTCCCGGGGGGGGGGGGCGGGGGGGGGGGGGGGGGGGGGGGGGGGGGGGGGGGGGNNNNNNNNNNAAAAAAAAAAAAAAAAAAAAAAAAAGTTCCAAAATC[1] (p.Gln768fs)

Gene: IMPG1 (interphotoreceptor matrix proteoglycan 1; minus strand). Cytogenetic location: 6q14.1.
Variant type: Insertion.
Coding change: c.2287_2302A[5]GTTCCAAAATCCCTCTCCCTCTCCCGCTCCCGGGGGGGGGGGGCGGGGGGGGGGGGGGGGGGGGGGGGGGGGGGGGGGGGGNNNNNNNNNNAAAAAAAAAAAAAAAAAAAAAAAAAGTTCCAAAATC[1] on transcript NM_001563.4 (MANE Select).
Protein change: p.Gln768fs; shifts the reading frame from glutamine 768.
Molecular consequence: frameshift variant.
Genome position: GRCh38: chr6:75,923,663-75,923,664. GRCh37 (hg19): chr6:76,633,380-76,633,381.
Other names: c.2053_2068A[5]GTTCCAAAATCCCTCTCCCTCTCCCGCTCCCGGGGGGGGGGGGCGGGGGGGGGGGGGGGGGGGGGGGGGGGGGGGGGGGGGNNNNNNNNNNAAAAAAAAAAAAAAAAAAAAAAAAAGTTCCAAAATC[1], p.Gln690fs (NM_001282368.2); short protein forms Q690fs, Q768fs.
Identifiers: ClinVar variation 2709426 (VCV002709426.3), dbSNP rs2535855941.

ClinVar aggregate classification (germline): Uncertain significance (1 of 4 stars; one submission).

Submission:

Labcorp Genetics (formerly Invitae), Labcorp
Classification: Uncertain significance. Last evaluated: 2024-06-23. Review status: criteria provided, single submitter. Criteria: Invitae Variant Classification Sherloc (09022015). Collection method: clinical testing. Allele origin: germline.
Comment: This sequence change inserts a large fragment of DNA, likely a transposable element, in exon 16 of the IMPG1 gene (c.2302_2303ins?), causing a frameshift at codon 768 (p.Gln768fs). The exact size and sequence of the insertion cannot be determined by the current assay. However, the insertion is expected to result in an absent or disrupted protein product. This variant is not present in population databases (gnomAD no frequency). This variant has not been reported in the literature in individuals affected with IMPG1-related conditions. Experimental studies and prediction algorithms are not available or were not evaluated, and the functional significance of this variant is currently unknown. Retrotransposon insertions including LINE1 (L1), Alu, and SVA (SINE-VNTR-Alu) have been reported to disrupt protein function (PMID: 19763152, 20307669, 22406018). However the effect of this particular variant is unknown. In summary, the available evidence is currently insufficient to determine the role of this variant in disease. Therefore, it has been classified as a Variant of Uncertain Significance.

Literature cited by the submitters: PubMed 19763152; PubMed 20307669; PubMed 22406018.